The following is an entry in ClinVar:

ClinVar aggregate classification (germline): Uncertain significance (1 of 4 stars; one submission).

Conditions:
Familial thoracic aortic aneurysm and aortic dissection (TAAD). Also called: Thoracic aortic aneurysms and dissections. Identifiers: Orphanet 91387, MedGen C4707243, MONDO:0019625.

Submission:

Ambry Genetics
Classification: Uncertain significance for Familial thoracic aortic aneurysm and aortic dissection. Last evaluated: 2016-07-12. Review status: criteria provided, single submitter. Criteria: Ambry Variant Classification Scheme 2023. Collection method: clinical testing. Allele origin: germline.
Comment: The p.V117G variant (also known as c.350T>G), located in coding exon 3 of the COL5A1 gene, results from a T to G substitution at nucleotide position 350. The valine at codon 117 is replaced by glycine, an amino acid with dissimilar properties. This variant was not reported in population based cohorts in the following databases: Database of Single Nucleotide Polymorphisms (dbSNP), NHLBI Exome Sequencing Project (ESP), and 1000 Genomes Project. In the ESP, this variant was not observed in 6503 samples (13006 alleles) with coverage at this position. This amino acid position is not well conserved in available vertebrate species. In addition, this alteration is predicted to be deleterious by in silico analysis. Since supporting evidence is limited at this time, the clinical significance of this alteration remains unclear.

NM_000093.5(COL5A1):c.350T>G (p.Val117Gly)

Gene: COL5A1 (collagen type V alpha 1 chain; plus strand). Cytogenetic location: 9q34.3.
Variant type: single nucleotide variant.
Coding change: c.350T>G on transcript NM_000093.5 (MANE Select); coding-DNA position 350, T replaced by G.
Protein change: p.Val117Gly; replaces valine 117 with glycine.
Molecular consequence: missense variant.
Genome position (GRCh38, 1-based): chr9:134,699,981, T>G. VCF-style: chr9-134699981-T-G. GRCh37 (hg19) VCF-style: chr9-137591827-T-G.
Other names: c.350T>G, p.Val117Gly (NM_001278074.1); short protein forms V117G.
Identifiers: ClinVar variation 519632 (VCV000519632.5), dbSNP rs1554781492, ClinGen allele CA375442741.
Genomic context (GRCh38, chr9:134,699,981, plus strand): 5'-CCGAGGACTTCTCCATCCTAACAACTGTGAAAGCCAAGAAAGGCAGCCAGGCCTTCCTGG[T>G]CTCCATCTACAACGAGCAGGGTATCCAGCAGATTGGGCTGGAGCTGGGCCGCTCTCCCGT-3'
Protein context (NP_000084.3, residues 107-127): KAKKGSQAFL[Val117Gly]SIYNEQGIQQ